The following is an entry in ClinVar:

ClinVar aggregate classification (germline): Uncertain significance (1 of 4 stars; one submission).

gnomAD v4.1: 8 of 1,613,662 alleles (0.0005%); highest among the groups gnomAD compares: African/African-American, 0.011%; no homozygotes.

Submission:

Women's Health and Genetics/Laboratory Corporation of America, LabCorp
Classification: Uncertain significance. Last evaluated: 2024-07-02. Review status: criteria provided, single submitter. Criteria: LabCorp Variant Classification Summary - May 2015. Collection method: clinical testing. Allele origin: germline.
Comment: Variant summary: TMEM107 c.*9A>G is located in the untranslated mRNA region downstream of the termination codon. The variant was absent in 251478 control chromosomes. The available data on variant occurrences in the general population are insufficient to allow any conclusion about variant significance. To our knowledge, no occurrence of c.*9A>G in individuals affected with TMEM107-Related Disorders and no experimental evidence demonstrating its impact on protein function have been reported. No submitters have cited clinical-significance assessments for this variant to ClinVar. Based on the evidence outlined above, the variant was classified as uncertain significance.

NM_183065.4(TMEM107):c.*9A>G

Genes: TMEM107 (transmembrane protein 107; minus strand), LOC105371520 (uncharacterized LOC105371520; plus strand). Cytogenetic location: 17p13.1.
Variant type: single nucleotide variant.
Coding change: c.*9A>G on transcript NM_183065.4 (MANE Select); 9 bases downstream of the stop codon, A replaced by G.
Molecular consequence: 3 prime UTR variant. On other transcripts: non-coding transcript variant (2).
Genome position (GRCh38, 1-based): chr17:8,174,194, T>C on the plus strand (A>G on the coding strand, the complement: TMEM107 is on the minus strand). VCF-style: chr17-8174194-T-C. GRCh37 (hg19) VCF-style: chr17-8077512-T-C.
Other names: c.*9A>G (NM_001351278.2, NM_001351279.2, NM_001351280.2 and 1 more transcripts).
Identifiers: ClinVar variation 3339204 (VCV003339204.1).